The following is an entry in ClinVar:

NM_000038.6(APC):c.5420A>G (p.Asp1807Gly)

Gene: APC (APC regulator of Wnt signaling pathway; plus strand). Cytogenetic location: 5q22.2.
Variant type: single nucleotide variant.
Coding change: c.5420A>G on transcript NM_000038.6 (MANE Select); coding-DNA position 5420, A replaced by G.
Protein change: p.Asp1807Gly; replaces aspartic acid 1807 with glycine.
Molecular consequence: missense variant.
Genome position (GRCh38, 1-based): chr5:112,841,014, A>G. VCF-style: chr5-112841014-A-G. GRCh37 (hg19) VCF-style: chr5-112176711-A-G.
Other names: c.5420A>G, p.Asp1807Gly (NM_001127510.3, NM_001354895.2); c.5366A>G, p.Asp1789Gly (NM_001127511.3); c.5474A>G, p.Asp1825Gly (NM_001354896.2); c.5450A>G, p.Asp1817Gly (NM_001354897.2); c.5345A>G, p.Asp1782Gly (NM_001354898.2); c.5336A>G, p.Asp1779Gly (NM_001354899.2); c.5297A>G, p.Asp1766Gly (NM_001354900.2); c.5243A>G, p.Asp1748Gly (NM_001354901.2); and 5 more; short protein forms D1789G, D1807G, D1706G, D1766G, D1817G, D1524G, D1681G, D1716G.
Identifiers: ClinVar variation 216171 (VCV000216171.8), dbSNP rs863224545, ClinGen allele CA338414.
Genomic context (GRCh38, chr5:112,841,014, plus strand): 5'-CACGTGTAAGAAAAAATGCAGACTCAAAAAATAATTTAAATGCTGAGAGAGTTTTCTCAG[A>G]CAACAAAGATTCAAAGAAACAGAATTTGAAAAATAATTCCAAGGTCTTCAATGATAAGCT-3'
Protein context (NP_000029.2, residues 1797-1817): NNLNAERVFS[Asp1807Gly]NKDSKKQNLK

ClinVar aggregate classification (germline): Uncertain significance. Review status: criteria provided, multiple submitters, no conflicts (2 of 4 stars). 2 submissions from 2 submitters: Uncertain significance (2). Last evaluated 2023-12-07.

Conditions:
Familial adenomatous polyposis 1 (FAP1). Also called: FAMILIAL ADENOMATOUS POLYPOSIS 1, ATTENUATED; POLYPOSIS, ADENOMATOUS INTESTINAL. Identifiers: MedGen C2713442, MONDO:0021056, OMIM 175100. Disease mechanism: loss of function.

Submissions (2):

Baylor Genetics
Classification: Uncertain significance for Familial adenomatous polyposis 1. Last evaluated: 2023-12-07. Review status: criteria provided, single submitter. Criteria: ACMG Guidelines, 2015. Collection method: clinical testing. Allele origin: unknown.

Labcorp Genetics (formerly Invitae), Labcorp
Classification: Uncertain significance for Familial adenomatous polyposis 1. Last evaluated: 2015-05-16. Review status: criteria provided, single submitter. Criteria: Invitae Variant Classification Sherloc (09022015). Collection method: clinical testing. Allele origin: germline.
Comment: In summary, this is a novel missense change with uncertain impact on protein function. It has been classified as a Variant of Uncertain Significance. Algorithms developed to predict the effect of missense changes on protein structure and function do not agree on the potential impact of this missense change (SIFT: "Deleterious"; PolyPhen-2: "Benign"; Align-GVGD: "Class C15"). This variant has not been published in the literature and is not present in population databases. This sequence change replaces aspartic acid with glycine at codon 1807 of the APC protein (p.Asp1807Gly). The aspartic acid residue is highly conserved and there is a moderate physicochemical difference between aspartic acid and glycine.